The following is an entry in ClinVar:

NM_001330311.2(DVL1):c.500G>A (p.Arg167Gln)

Gene: DVL1 (dishevelled segment polarity protein 1; minus strand). Cytogenetic location: 1p36.33.
Variant type: single nucleotide variant.
Coding change: c.500G>A on transcript NM_001330311.2 (MANE Select); coding-DNA position 500, G replaced by A.
Protein change: p.Arg167Gln; replaces arginine 167 with glutamine.
Molecular consequence: missense variant.
Genome position (GRCh38, 1-based): chr1:1,341,772, C>T on the plus strand (G>A on the coding strand, the complement: DVL1 is on the minus strand). VCF-style: chr1-1341772-C-T. GRCh37 (hg19) VCF-style: chr1-1277152-C-T.
Other names: c.500G>A, p.Arg167Gln (NM_004421.3); short protein forms R167Q.
Identifiers: ClinVar variation 1024452 (VCV001024452.8), dbSNP rs770252125, ClinGen allele CA520646.

ClinVar aggregate classification (germline): Uncertain significance (1 of 4 stars; one submission).

Allele frequency attached by ClinVar (database versions not stated): gnomAD exomes below 0.00001 and 0.00001; TOPMed 0.00001; ExAC 0.00003.
gnomAD v4.1: 4 of 1,602,640 alleles (0.00025%); highest among the groups gnomAD compares: South Asian, 0.0011%; no homozygotes.

Submission:

Labcorp Genetics (formerly Invitae), Labcorp
Classification: Uncertain significance. Last evaluated: 2022-10-17. Review status: criteria provided, single submitter. Criteria: Invitae Variant Classification Sherloc (09022015). Collection method: clinical testing. Allele origin: germline.
Comment: In summary, the available evidence is currently insufficient to determine the role of this variant in disease. Therefore, it has been classified as a Variant of Uncertain Significance. Advanced modeling of protein sequence and biophysical properties (such as structural, functional, and spatial information, amino acid conservation, physicochemical variation, residue mobility, and thermodynamic stability) performed at Invitae indicates that this missense variant is not expected to disrupt DVL1 protein function. ClinVar contains an entry for this variant (Variation ID: 1024452). This variant has not been reported in the literature in individuals affected with DVL1-related conditions. This variant is present in population databases (rs770252125, gnomAD 0.003%). This sequence change replaces arginine, which is basic and polar, with glutamine, which is neutral and polar, at codon 167 of the DVL1 protein (p.Arg167Gln).